The following is an entry in ClinVar:

ClinVar aggregate classification (germline): Uncertain significance. Review status: criteria provided, multiple submitters, no conflicts (2 of 4 stars). 2 submissions from 2 submitters: Uncertain significance (2). Last evaluated 2025-09-01.

Conditions:
Inborn genetic diseases. Identifiers: MedGen C0950123, MeSH D030342.
Amyotrophic lateral sclerosis type 21. Also called: MYOPATHY, DISTAL, 2; VOCAL CORD AND PHARYNGEAL DYSFUNCTION WITH DISTAL MYOPATHY. Identifiers: Orphanet 600, Orphanet 803, MedGen C3807521, MONDO:0011632, OMIM 606070.

gnomAD v4.1: 2 of 1,614,012 alleles (0.00012%); highest among the groups gnomAD compares: Non-Finnish European, 0.00017%; no homozygotes.

Submissions (2):

Ambry Genetics
Classification: Uncertain significance for Inborn genetic diseases. Last evaluated: 2025-09-01. Review status: criteria provided, single submitter. Criteria: Ambry Variant Classification Scheme 2023. Collection method: clinical testing. Allele origin: germline.

Labcorp Genetics (formerly Invitae), Labcorp
Classification: Uncertain significance for Amyotrophic lateral sclerosis type 21. Last evaluated: 2024-09-04. Review status: criteria provided, single submitter. Criteria: Invitae Variant Classification Sherloc (09022015). Collection method: clinical testing. Allele origin: germline.
Comment: This sequence change replaces glycine, which is neutral and non-polar, with valine, which is neutral and non-polar, at codon 624 of the MATR3 protein (p.Gly624Val). This variant is present in population databases (rs762774985, gnomAD no frequency). This variant has not been reported in the literature in individuals affected with MATR3-related conditions. Invitae Evidence Modeling of protein sequence and biophysical properties (such as structural, functional, and spatial information, amino acid conservation, physicochemical variation, residue mobility, and thermodynamic stability) indicates that this missense variant is not expected to disrupt MATR3 protein function with a negative predictive value of 80%. In summary, the available evidence is currently insufficient to determine the role of this variant in disease. Therefore, it has been classified as a Variant of Uncertain Significance.

NM_018834.6(MATR3):c.1871G>T (p.Gly624Val)

Genes: MATR3 (matrin 3; plus strand), LOC126807526 (CDK7 strongly-dependent group 2 enhancer GRCh37_chr5:138657767-138658966; plus strand). Cytogenetic location: 5q31.2.
Variant type: single nucleotide variant.
Coding change: c.1871G>T on transcript NM_018834.6 (MANE Select); coding-DNA position 1871, G replaced by T.
Protein change: p.Gly624Val; replaces glycine 624 with valine.
Molecular consequence: missense variant.
Genome position (GRCh38, 1-based): chr5:139,322,690, G>T. VCF-style: chr5-139322690-G-T. GRCh37 (hg19) VCF-style: chr5-138658379-G-T.
Other names: c.1871G>T, p.Gly624Val (NM_001194954.2, NM_001194955.2, NM_001400441.1 and 16 more transcripts); c.1007G>T, p.Gly336Val (NM_001194956.2); c.857G>T, p.Gly286Val (NM_001282278.2, NM_001400460.1, NM_001400462.1 and 5 more transcripts); c.1010G>T, p.Gly337Val (NM_001400459.1); c.971G>T, p.Gly324Val (NM_001400461.1); c.1871G>T (NM_199189.2); short protein forms G324V, G624V, G286V, G336V, G337V.
Identifiers: ClinVar variation 3712359 (VCV003712359.3).